The following is an entry in ClinVar:

ClinVar aggregate classification (germline): Likely pathogenic (1 of 4 stars; one submission).

Conditions:
Glycogen storage disease, type II (IOPD). Also called: CARDIOMEGALIA GLYCOGENICA DIFFUSA; Glycogen storage disease type 2; Acid maltase deficiency disease; Aglucosidase alfa; Deficiency of alpha-glucosidase; Deficiency of lysosomal alpha-glucosidase. Identifiers: Orphanet 365, MedGen C0017921, MONDO:0009290, OMIM 232300.

Submission:

Labcorp Genetics (formerly Invitae), Labcorp
Classification: Likely pathogenic for Glycogen storage disease, type II. Last evaluated: 2023-02-14. Review status: criteria provided, single submitter. Criteria: Invitae Variant Classification Sherloc (09022015). Collection method: clinical testing. Allele origin: germline.
Comment: This variant disrupts the p.Asn570 amino acid residue in GAA. Other variant(s) that disrupt this residue have been determined to be pathogenic (PMID: 22658377, 29122469, 31086307). This suggests that this residue is clinically significant, and that variants that disrupt this residue are likely to be disease-causing. In summary, the currently available evidence indicates that the variant is pathogenic, but additional data are needed to prove that conclusively. Therefore, this variant has been classified as Likely Pathogenic. Algorithms developed to predict the effect of sequence changes on RNA splicing suggest that this variant may create or strengthen a splice site. This sequence change replaces asparagine, which is neutral and polar, with serine, which is neutral and polar, at codon 570 of the GAA protein (p.Asn570Ser). This variant is not present in population databases (gnomAD no frequency). This variant has not been reported in the literature in individuals affected with GAA-related conditions. Advanced modeling of protein sequence and biophysical properties (such as structural, functional, and spatial information, amino acid conservation, physicochemical variation, residue mobility, and thermodynamic stability) performed at Invitae indicates that this missense variant is expected to disrupt GAA protein function.

Literature cited by the submitters: PubMed 22658377; PubMed 29122469; PubMed 31086307.

NM_000152.5(GAA):c.1709A>G (p.Asn570Ser)

Gene: GAA (alpha glucosidase; plus strand). Cytogenetic location: 17q25.3.
Variant type: single nucleotide variant.
Coding change: c.1709A>G on transcript NM_000152.5 (MANE Select); coding-DNA position 1709, A replaced by G.
Protein change: p.Asn570Ser; replaces asparagine 570 with serine.
Molecular consequence: missense variant.
Genome position (GRCh38, 1-based): chr17:80,112,055, A>G. VCF-style: chr17-80112055-A-G. GRCh37 (hg19) VCF-style: chr17-78085854-A-G.
Other names: c.1709A>G, p.Asn570Ser (NM_001079803.3, NM_001079804.3, NM_001406741.1 and 1 more transcripts); short protein forms N570S.
Identifiers: ClinVar variation 2793202 (VCV002793202.3), dbSNP rs2510378853, ClinGen allele CA401369041.